The following is an entry in ClinVar:

ClinVar aggregate classification (germline): Uncertain significance (1 of 4 stars; one submission).

Allele frequency attached by ClinVar (database versions not stated): gnomAD exomes below 0.00001.
gnomAD v4.1: 2 of 1,545,788 alleles (0.00013%); highest among the groups gnomAD compares: Middle Eastern, 0.036%; no homozygotes.

Submission:

Labcorp Genetics (formerly Invitae), Labcorp
Classification: Uncertain significance. Last evaluated: 2022-12-07. Review status: criteria provided, single submitter. Criteria: Invitae Variant Classification Sherloc (09022015). Collection method: clinical testing. Allele origin: germline.
Comment: In summary, the available evidence is currently insufficient to determine the role of this variant in disease. Therefore, it has been classified as a Variant of Uncertain Significance. Advanced modeling of protein sequence and biophysical properties (such as structural, functional, and spatial information, amino acid conservation, physicochemical variation, residue mobility, and thermodynamic stability) performed at Invitae indicates that this missense variant is not expected to disrupt TBX6 protein function. This variant has not been reported in the literature in individuals affected with TBX6-related conditions. This variant is not present in population databases (gnomAD no frequency). This sequence change replaces glutamic acid, which is acidic and polar, with alanine, which is neutral and non-polar, at codon 347 of the TBX6 protein (p.Glu347Ala).

NM_004608.4(TBX6):c.1040A>C (p.Glu347Ala)

Gene: TBX6 (T-box transcription factor 6; minus strand). Cytogenetic location: 16p11.2.
Variant type: single nucleotide variant.
Coding change: c.1040A>C on transcript NM_004608.4 (MANE Select); coding-DNA position 1040, A replaced by C.
Protein change: p.Glu347Ala; replaces glutamic acid 347 with alanine.
Molecular consequence: missense variant.
Genome position (GRCh38, 1-based): chr16:30,086,569, T>G on the plus strand (A>C on the coding strand, the complement: TBX6 is on the minus strand). VCF-style: chr16-30086569-T-G. GRCh37 (hg19) VCF-style: chr16-30097890-T-G.
Other names: short protein forms E347A.
Identifiers: ClinVar variation 2800699 (VCV002800699.3), dbSNP rs866620210, ClinGen allele CA280429359.